The following is an entry in ClinVar:

NM_005592.4(MUSK):c.1634T>C (p.Leu545Pro)

Gene: MUSK (muscle associated receptor tyrosine kinase; plus strand). Cytogenetic location: 9q31.3.
Variant type: single nucleotide variant.
Coding change: c.1634T>C on transcript NM_005592.4 (MANE Select); coding-DNA position 1634, T replaced by C.
Protein change: p.Leu545Pro; replaces leucine 545 with proline.
Molecular consequence: missense variant.
Genome position (GRCh38, 1-based): chr9:110,785,574, T>C. VCF-style: chr9-110785574-T-C. GRCh37 (hg19) VCF-style: chr9-113547854-T-C.
Other names: c.1376T>C, p.Leu459Pro (NM_001166280.2); c.1346T>C, p.Leu449Pro (NM_001166281.2); c.374T>C, p.Leu125Pro (NM_001369398.1); short protein forms L125P, L449P, L459P, L545P.
Identifiers: ClinVar variation 4279614 (VCV004279614.1).
Genomic context (GRCh38, chr9:110,785,574, plus strand): 5'-GTCTTGCCTGCAGAGAATCAGCAGCAGTAACCCTCACCACACTGCCTTCTGAGCTCTTAC[T>C]AGATAGACTTCATCCCAACCCCATGTACCAGAGGATGCCGCTCCTTCTGAACCCCAAATT-3'
Protein context (NP_005583.1, residues 535-555): TLTTLPSELL[Leu545Pro]DRLHPNPMYQ

ClinVar aggregate classification (germline): Likely pathogenic (1 of 4 stars; one submission).

Conditions:
Congenital myasthenic syndrome 9. Also called: Myasthenic syndrome, congenital, 9, associated with acetylcholine receptor deficiency. Identifiers: Orphanet 590, MedGen C4225368, MONDO:0014587, OMIM 616325.

Submission:

Diagnostics Services (NGS), CSIR - Centre For Cellular And Molecular Biology
Classification: Likely pathogenic for Congenital myasthenic syndrome 9. Last evaluated: 2025-09-18. Review status: criteria provided, single submitter. Criteria: ACMG Guidelines, 2015. Collection method: clinical testing. Allele origin: germline. Affected: yes. Observed: 1 variant allele, 1 heterozygote.
Comment: The c.1634T>C variant is not present in publicly available population databases like 1000 Genomes, EVS and Indian Exome Database. The variant is present in gnomAD and our internal database, at low frequencies. This variant has been previously observed in individuals affected with MUSK-related conditions [PMID: 29704306] and reported to the Human Genome Mutation Database (HGMD ID- CM1810063). In-silico pathogenicity prediction programs like SIFT, Polyphen-2, MutationTaster2021, CADD, predicted this variant to be likely deleterious however these predictions were not confirmed by published functional studies.

Literature cited by the submitters: PubMed 29704306.